The following is an entry in ClinVar:

ClinVar aggregate classification (germline): Uncertain significance. Review status: criteria provided, multiple submitters, no conflicts (2 of 4 stars). 2 submissions from 2 submitters: Uncertain significance (2). Last evaluated 2024-03-13.

Conditions:
Pheochromocytoma/paraganglioma syndrome 3. Also called: SDHC-Related Hereditary Paraganglioma-Pheochromocytoma Syndrome (Paragangliomas 3); SDHC-Related Hereditary Paraganglioma-Pheochromocytoma Syndrome; GLOMUS TUMORS, FAMILIAL, 3; Paragangliomas 3. Identifiers: Orphanet 29072, MedGen C1854336, MONDO:0011544, OMIM 605373.
Gastrointestinal stromal tumor. Also called: Gastrointestinal stromal tumor, somatic; Gastrointestinal stroma tumor. Identifiers: Orphanet 44890, MedGen C0238198, MeSH D046152, MONDO:0011719, OMIM 606764, HP:0100723.

Submissions (2):

Baylor Genetics
Classification: Uncertain significance for Gastrointestinal stromal tumor. Last evaluated: 2024-03-13. Review status: criteria provided, single submitter. Criteria: ACMG Guidelines, 2015. Collection method: clinical testing. Allele origin: unknown.

Labcorp Genetics (formerly Invitae), Labcorp
Classification: Uncertain significance for Pheochromocytoma/paraganglioma syndrome 3; Gastrointestinal stromal tumor. Last evaluated: 2018-07-28. Review status: criteria provided, single submitter. Criteria: Invitae Variant Classification Sherloc (09022015). Collection method: clinical testing. Allele origin: germline.
Comment: This sequence change replaces asparagine with serine at codon 49 of the SDHC protein (p.Asn49Ser). The asparagine residue is moderately conserved and there is a small physicochemical difference between asparagine and serine. This variant is not present in population databases (ExAC no frequency). This variant has not been reported in the literature in individuals with SDHC-related disease. Algorithms developed to predict the effect of missense changes on protein structure and function output the following: SIFT: "Tolerated"; PolyPhen-2: "Benign"; Align-GVGD: "Class C0". The serine amino acid residue is found in multiple mammalian species, suggesting that this missense change does not adversely affect protein function. These predictions have not been confirmed by published functional studies and their clinical significance is uncertain. In summary, the available evidence is currently insufficient to determine the role of this variant in disease. Therefore, it has been classified as a Variant of Uncertain Significance.

NM_003001.5(SDHC):c.146A>G (p.Asn49Ser)

Gene: SDHC (succinate dehydrogenase complex subunit C; plus strand). Cytogenetic location: 1q23.3.
Variant type: single nucleotide variant.
Coding change: c.146A>G on transcript NM_003001.5 (MANE Select); coding-DNA position 146, A replaced by G.
Protein change: p.Asn49Ser; replaces asparagine 49 with serine.
Molecular consequence: missense variant. On other transcripts: non-coding transcript variant (1), intron variant (4).
Genome position (GRCh38, 1-based): chr1:161,328,464, A>G. VCF-style: chr1-161328464-A-G. GRCh37 (hg19) VCF-style: chr1-161298254-A-G.
Other names: c.146A>G, p.Asn49Ser (NM_001035511.3, NM_001407115.1); c.89A>G, p.Asn30Ser (NM_001407116.1, NM_001407117.1, NM_001407121.1); c.35A>G, p.Asn12Ser (NM_001407119.1, NM_001407120.1); c.77+4794A>G (NM_001035512.3, NM_001278172.3, NM_001407118.1); c.21-12130A>G (NM_001035513.3); short protein forms N49S, N12S, N30S.
Identifiers: ClinVar variation 652317 (VCV000652317.11), dbSNP rs1571851610, ClinGen allele CA343361215.